The following is an entry in ClinVar:

ClinVar aggregate classification (germline): Uncertain significance (1 of 4 stars; one submission).

Submission:

Labcorp Genetics (formerly Invitae), Labcorp
Classification: Uncertain significance. Last evaluated: 2024-02-06. Review status: criteria provided, single submitter. Criteria: Invitae Variant Classification Sherloc (09022015). Collection method: clinical testing. Allele origin: germline.
Comment: This sequence change replaces isoleucine, which is neutral and non-polar, with valine, which is neutral and non-polar, at codon 97 of the LMBR1 protein (p.Ile97Val). This variant is not present in population databases (gnomAD no frequency). This variant has not been reported in the literature in individuals affected with LMBR1-related conditions. Advanced modeling of protein sequence and biophysical properties (such as structural, functional, and spatial information, amino acid conservation, physicochemical variation, residue mobility, and thermodynamic stability) performed at Invitae indicates that this missense variant is not expected to disrupt LMBR1 protein function with a negative predictive value of 80%. In summary, the available evidence is currently insufficient to determine the role of this variant in disease. Therefore, it has been classified as a Variant of Uncertain Significance.

NM_022458.4(LMBR1):c.289A>G (p.Ile97Val)

Gene: LMBR1 (limb development membrane protein 1; minus strand). Cytogenetic location: 7q36.3.
Variant type: single nucleotide variant.
Coding change: c.289A>G on transcript NM_022458.4 (MANE Select); coding-DNA position 289, A replaced by G.
Protein change: p.Ile97Val; replaces isoleucine 97 with valine.
Molecular consequence: missense variant. On other transcripts: non-coding transcript variant (2), intron variant (1), 5 prime UTR variant (6).
Genome position (GRCh38, 1-based): chr7:156,826,635, T>C on the plus strand (A>G on the coding strand, the complement: LMBR1 is on the minus strand). VCF-style: chr7-156826635-T-C. GRCh37 (hg19) VCF-style: chr7-156619329-T-C.
Other names: c.40+7118A>G (NM_001350954.2); c.289A>G, p.Ile97Val (NM_001350953.2, NM_001363409.2, NM_001363410.2); c.-246A>G (NM_001350955.2, NM_001350956.2, NM_001350958.2 and 1 more transcripts); c.-81A>G (NM_001350957.2, NM_001363411.2); c.226A>G, p.Ile76Val (NM_001363412.2); short protein forms I76V, I97V.
Identifiers: ClinVar variation 3699177 (VCV003699177.2).